The following is an entry in ClinVar:

ClinVar aggregate classification (germline): Benign (0 of 4 stars; one submission).

Conditions:
TSIX-related disorder. Also called: TSIX-related condition.

Allele frequency attached by ClinVar (database versions not stated): gnomAD exomes 0.00514; ExAC 0.01109; ESP Exome Variant Server 0.03254; gnomAD 0.03894; 1000 Genomes Project 0.04026; 1000 Genomes Project 30x 0.04058; TOPMed 0.04528.
gnomAD v4.1: 6,503 of 514,253 alleles (1.3%); highest among the groups gnomAD compares: African/African-American, 13%; 317 homozygotes.

Submission:

PreventionGenetics, part of Exact Sciences
Classification: Benign for TSIX-related condition. Last evaluated: 2019-02-24. Review status: no assertion criteria provided. Collection method: clinical testing. Allele origin: germline.
Comment: This variant is classified as benign based on ACMG/AMP sequence variant interpretation guidelines (Richards et al. 2015 PMID: 25741868, with internal and published modifications).

NR_003255.2(TSIX):n.31258G>A

Genes: TSIX (TSIX transcript, XIST antisense RNA; plus strand), XIST (X inactive specific transcript; minus strand). Cytogenetic location: Xq13.2.
Variant type: single nucleotide variant.
Molecular consequence: non-coding transcript variant (on NR_003255.2).
Genome position: GRCh38 VCF-style: chrX-73823462-G-A. GRCh37 (hg19) VCF-style: chrX-73043297-G-A.
Identifiers: ClinVar variation 3041924 (VCV003041924.2), dbSNP rs138595829, ClinGen allele CA10452011.